The following is an entry in ClinVar:

ClinVar aggregate classification (germline): Pathogenic (1 of 4 stars; one submission).

Submission:

Labcorp Genetics (formerly Invitae), Labcorp
Classification: Pathogenic. Last evaluated: 2023-08-07. Review status: criteria provided, single submitter. Criteria: Invitae Variant Classification Sherloc (09022015). Collection method: clinical testing. Allele origin: germline.
Comment: This sequence change creates a premature translational stop signal (p.Lys876Argfs*24) in the PCNT gene. It is expected to result in an absent or disrupted protein product. Loss-of-function variants in PCNT are known to be pathogenic (PMID: 18174396, 22821869). This variant is not present in population databases (gnomAD no frequency). This variant has not been reported in the literature in individuals affected with PCNT-related conditions. For these reasons, this variant has been classified as Pathogenic.

Literature cited by the submitters: PubMed 18174396; PubMed 22821869.

NM_006031.6(PCNT):c.2627_2628del (p.Lys876fs)

Gene: PCNT (pericentrin; plus strand). Cytogenetic location: 21q22.3.
Variant type: Deletion.
Coding change: c.2627_2628del on transcript NM_006031.6 (MANE Select); coding-DNA positions 2627 to 2628, 2 bases deleted (AA; older notation c.2627_2628delAA).
Protein change: p.Lys876fs; shifts the reading frame from lysine 876.
Molecular consequence: frameshift variant.
Genome position (GRCh38, 1-based): chr21:46,366,601-46,366,602, AA deleted; deleting any 2 consecutive bases within chr21:46,366,600-46,366,602 gives the same sequence; the c. name uses the placement nearest the transcript's 3' end. VCF-style (leftmost placement, unchanged base first): chr21-46366599-TAA-T. GRCh37 (hg19) VCF-style: chr21-47786514-TAA-T.
Other names: c.2273_2274del, p.Lys758fs (NM_001315529.2); short protein forms K758fs, K876fs.
Identifiers: ClinVar variation 2747557 (VCV002747557.3), dbSNP rs2518262086, ClinGen allele CA2697547651.